The following is an entry in ClinVar:

ClinVar aggregate classification (germline): Likely benign (1 of 4 stars; one submission).

Conditions:
TUBA4A-related disorder. Also called: TUBA4A-related condition.

Submission:

PreventionGenetics, part of Exact Sciences
Classification: Likely benign for TUBA4A-related condition. Last evaluated: 2025-02-13. Review status: criteria provided, single submitter. Criteria: ACMG Guidelines, 2015. Collection method: clinical testing. Allele origin: germline.
Comment: This variant is classified as likely benign based on ACMG/AMP sequence variant interpretation guidelines (Richards et al. 2015 PMID: 25741868, with internal and published modifications).

NM_006000.3(TUBA4A):c.453A>G (p.Ser151=)

Gene: TUBA4A (tubulin alpha 4a; minus strand). Cytogenetic location: 2q35.
Variant type: single nucleotide variant.
Coding change: c.453A>G on transcript NM_006000.3 (MANE Select); coding-DNA position 453, A replaced by G.
Protein change: p.Ser151=; no amino-acid change (serine 151 retained).
Molecular consequence: synonymous variant.
Genome position (GRCh38, 1-based): chr2:219,251,246, T>C on the plus strand (A>G on the coding strand, the complement: TUBA4A is on the minus strand). VCF-style: chr2-219251246-T-C. GRCh37 (hg19) VCF-style: chr2-220115968-T-C.
Other names: c.408A>G, p.Ser136= (NM_001278552.2).
Identifiers: ClinVar variation 4989870 (VCV004989870.1).